The following is an entry in ClinVar:

NM_001135649.3(FOXI3):c.1143del (p.Tyr382fs)

Gene: FOXI3 (forkhead box I3; minus strand). Cytogenetic location: 2p11.2.
Variant type: Deletion.
Coding change: c.1143del on transcript NM_001135649.3 (MANE Select); coding-DNA position 1143, one base deleted (C; older notation c.1143delC).
Protein change: p.Tyr382fs; shifts the reading frame from tyrosine 382.
Molecular consequence: frameshift variant.
Genome position (GRCh38, 1-based): chr2:88,448,327, G deleted on the plus strand (C on the coding strand, the reverse complement: FOXI3 is on the minus strand); the first of 2 consecutive G bases (chr2:88,448,327-88,448,328); deleting either gives the same sequence. VCF-style (leftmost placement, unchanged base first): chr2-88448326-AG-A. GRCh37 (hg19) VCF-style: chr2-88747845-AG-A.
Other names: short protein forms Y382fs.
Identifiers: ClinVar variation 3902017 (VCV003902017.1).

ClinVar aggregate classification (germline): Uncertain significance (1 of 4 stars; one submission).

Conditions:
Craniofacial microsomia 2 (CFM2). Identifiers: MedGen C5781610, MONDO:0958194, OMIM 620444.

Submission:

Laboratorio de Genetica e Diagnostico Molecular, Hospital Israelita Albert Einstein
Classification: Uncertain significance for Craniofacial microsomia 2. Last evaluated: 2024-09-24. Review status: criteria provided, single submitter. Criteria: ACMG Guidelines, 2015. Collection method: clinical testing. Allele origin: germline. Affected: yes.
Comment: ACMG classification criteria: PM2 supporting